The following is an entry in ClinVar:

ClinVar aggregate classification (germline): Likely pathogenic (1 of 4 stars; one submission).

Allele frequency attached by ClinVar (database versions not stated): ExAC 0.00001.
gnomAD v4.1: 4 of 1,612,708 alleles (0.00025%); highest among the groups gnomAD compares: South Asian, 0.0033%; no homozygotes.

Submission:

Labcorp Genetics (formerly Invitae), Labcorp
Classification: Likely pathogenic. Last evaluated: 2023-01-22. Review status: criteria provided, single submitter. Criteria: Invitae Variant Classification Sherloc (09022015). Collection method: clinical testing. Allele origin: germline.
Comment: In summary, the currently available evidence indicates that the variant is pathogenic, but additional data are needed to prove that conclusively. Therefore, this variant has been classified as Likely Pathogenic. Algorithms developed to predict the effect of sequence changes on RNA splicing suggest that this variant may disrupt the consensus splice site. This variant has not been reported in the literature in individuals affected with ADGRV1-related conditions. This variant is present in population databases (rs747541782, gnomAD 0.007%). This sequence change affects an acceptor splice site in intron 45 of the ADGRV1 gene. It is expected to disrupt RNA splicing. Variants that disrupt the donor or acceptor splice site typically lead to a loss of protein function (PMID: 16199547), and loss-of-function variants in ADGRV1 are known to be pathogenic (PMID: 19357117, 22135276, 22147658, 26226137, 30718709, 31047384, 32467589).

Literature cited by the submitters: PubMed 16199547; PubMed 19357117; PubMed 22135276; PubMed 22147658; PubMed 26226137; PubMed 30718709; PubMed 31047384; PubMed 32467589.

NM_032119.4(ADGRV1):c.9749-1G>T

Gene: ADGRV1 (adhesion G protein-coupled receptor V1; plus strand). Cytogenetic location: 5q14.3.
Variant type: single nucleotide variant.
Coding change: c.9749-1G>T on transcript NM_032119.4 (MANE Select); the canonical splice acceptor site of the intron before coding-DNA position 9749, G replaced by T.
Molecular consequence: splice acceptor variant.
Genome position (GRCh38, 1-based): chr5:90,724,831, G>T. VCF-style: chr5-90724831-G-T. GRCh37 (hg19) VCF-style: chr5-90020648-G-T.
Identifiers: ClinVar variation 2981190 (VCV002981190.3), dbSNP rs747541782, ClinGen allele CA3340592.